The following is an entry in ClinVar:

ClinVar aggregate classification (germline): Conflicting classifications of pathogenicity. Review status: criteria provided, conflicting classifications (1 of 4 stars). 6 submissions from 6 submitters: Pathogenic (1); Likely pathogenic (3); Uncertain significance (1). 1 of the submissions does not count toward it. Last evaluated 2024-10-15.

Conditions:
Bardet-Biedl syndrome (BBS). Identifiers: Orphanet 110, MedGen C0752166, MONDO:0015229.
McKusick-Kaufman syndrome (MKKS). Also called: HYDROMETROCOLPOS SYNDROME; HYDROMETROCOLPOS, POSTAXIAL POLYDACTYLY, AND CONGENITAL HEART MALFORMATION. Identifiers: Orphanet 2473, MedGen C0948368, MONDO:0009367, OMIM 236700.
Bardet-Biedl syndrome 6 (BBS6). Identifiers: Orphanet 110, MedGen C1858054, MONDO:0011523, OMIM 605231.
MKKS-related disorder. Also called: MKKS-related condition; MKKS-related disorders.

Allele frequency attached by ClinVar (database versions not stated): gnomAD exomes below 0.00001.
gnomAD v4.1: 3 of 1,614,230 alleles (0.00019%); highest among the groups gnomAD compares: Non-Finnish European, 0.00025%; no homozygotes.

Submissions (6):

Dasa
Classification: Likely pathogenic. Last evaluated: 2024-10-15. Review status: criteria provided, single submitter. Criteria: DASA Assertion Criteria. Collection method: clinical testing. Allele origin: germline.
Comment: NM_170784.3(MKKS):c.295T>C (p.Cys99Arg) is a missense variant that results in the substitution of cysteine with arginine. This variant has been recurrently observed in individuals with MKKS-related disorders (PMID: 30614526; PMID: 20472660). Also, this variant is rare in population databases. Computational evidence supports a deleterious effect. Based on the currently available evidence, this variant is classified as likely pathogenic.

Genomic Medicine Center of Excellence, King Faisal Specialist Hospital and Research Centre
Classification: Likely pathogenic for McKusick-Kaufman syndrome. Last evaluated: 2024-03-17. Review status: criteria provided, single submitter. Criteria: ACMG Guidelines, 2015. Collection method: research. Allele origin: germline.

Labcorp Genetics (formerly Invitae), Labcorp
Classification: Likely pathogenic for McKusick-Kaufman syndrome; Bardet-Biedl syndrome. Last evaluated: 2023-07-25. Review status: criteria provided, single submitter. Criteria: Invitae Variant Classification Sherloc (09022015). Collection method: clinical testing. Allele origin: germline.
Comment: In summary, the currently available evidence indicates that the variant is pathogenic, but additional data are needed to prove that conclusively. Therefore, this variant has been classified as Likely Pathogenic. Advanced modeling of protein sequence and biophysical properties (such as structural, functional, and spatial information, amino acid conservation, physicochemical variation, residue mobility, and thermodynamic stability) performed at Invitae indicates that this missense variant is expected to disrupt MKKS protein function. ClinVar contains an entry for this variant (Variation ID: 585166). This missense change has been observed in individuals with clinical features of MKKS-related conditions (PMID: 20472660, 26355662, 30614526). This variant is present in population databases (no rsID available, gnomAD 0.0009%). This sequence change replaces cysteine, which is neutral and slightly polar, with arginine, which is basic and polar, at codon 99 of the MKKS protein (p.Cys99Arg).

Department of Pathology and Laboratory Medicine, Sinai Health System
Classification: Uncertain significance for McKusick-Kaufman syndrome; Bardet-Biedl syndrome 6. Last evaluated: 2022-03-02. Review status: criteria provided, single submitter. Criteria: ACMG Guidelines, 2015. Collection method: research. Allele origin: germline.

Blueprint Genetics
Classification: Pathogenic for MKKS-related disorders. Last evaluated: 2017-11-17. Review status: criteria provided, single submitter. Criteria: ACMG Guidelines, 2015. Collection method: clinical testing. Allele origin: germline. Affected: yes. Observed: 1 variant allele.

Laboratory of Medical Genetics (UMR_S 1112), INSERM/Strasbourg University
Classification: Pathogenic for Bardet-Biedl syndrome. Last evaluated: 2018-09-15. Review status: no assertion criteria provided. Collection method: provider interpretation. Allele origin: germline. Affected: yes. Study: French fetal BBS cohort. Not counted in ClinVar's aggregate classification.

Literature cited by the submitters: PubMed 30614526 (cited by 3 submitters); PubMed 20472660 (cited by Dasa and Labcorp Genetics (formerly Invitae), Labcorp); PubMed 26355662 (cited by Labcorp Genetics (formerly Invitae), Labcorp).

NM_170784.3(MKKS):c.295T>C (p.Cys99Arg)

Gene: MKKS (MKKS centrosomal shuttling protein; minus strand). Cytogenetic location: 20p12.2.
Variant type: single nucleotide variant.
Coding change: c.295T>C on transcript NM_170784.3 (MANE Select); coding-DNA position 295, T replaced by C.
Protein change: p.Cys99Arg; replaces cysteine 99 with arginine.
Molecular consequence: missense variant.
Genome position (GRCh38, 1-based): chr20:10,413,220, A>G on the plus strand (T>C on the coding strand, the complement: MKKS is on the minus strand). VCF-style: chr20-10413220-A-G. GRCh37 (hg19) VCF-style: chr20-10393868-A-G.
Other names: c.295T>C, p.Cys99Arg (NM_018848.3); short protein forms C99R.
Identifiers: ClinVar variation 585166 (VCV000585166.12), dbSNP rs1297985227, ClinGen allele CA408233419.